The following is an entry in ClinVar:

NM_212482.4(FN1):c.6863G>C (p.Gly2288Ala)

Genes: ATIC (5-aminoimidazole-4-carboxamide ribonucleotide formyltransferase/IMP cyclohydrolase; plus strand), FN1 (fibronectin 1; minus strand). Cytogenetic location: 2q35.
Variant type: single nucleotide variant.
Coding change: c.6863G>C on transcript NM_212482.4 (MANE Select); coding-DNA position 6863, G replaced by C.
Protein change: p.Gly2288Ala; replaces glycine 2288 with alanine.
Molecular consequence: missense variant.
Genome position (GRCh38, 1-based): chr2:215,368,018, C>G on the plus strand (G>C on the coding strand, the complement: FN1 is on the minus strand). VCF-style: chr2-215368018-C-G. GRCh37 (hg19) VCF-style: chr2-216232741-C-G.
Other names: c.6230G>C, p.Gly2077Ala (NM_001365524.2); c.6497G>C, p.Gly2166Ala (NM_002026.4); c.5960G>C, p.Gly1987Ala (NM_212474.3); c.6320G>C, p.Gly2107Ala (NM_212476.3); c.6422G>C, p.Gly2141Ala (NM_212478.3); c.6770G>C, p.Gly2257Ala (NM_001306129.2); c.6233G>C, p.Gly2078Ala (NM_001306130.2); c.6227G>C, p.Gly2076Ala (NM_001306131.2); and 8 more; short protein forms G2076A, G2078A, G2082A, G2141A, G2198A, G2051A, G2142A, G2166A.
Identifiers: ClinVar variation 2799015 (VCV002799015.3), dbSNP rs757231651, ClinGen allele CA2093715.

ClinVar aggregate classification (germline): Uncertain significance (1 of 4 stars; one submission).

Allele frequency attached by ClinVar (database versions not stated): gnomAD 0.00001.
gnomAD v4.1: 3 of 1,613,996 alleles (0.00019%); highest among the groups gnomAD compares: East Asian, 0.0067%; no homozygotes.

Submission:

Labcorp Genetics (formerly Invitae), Labcorp
Classification: Uncertain significance. Last evaluated: 2025-04-14. Review status: criteria provided, single submitter. Criteria: Invitae Variant Classification Sherloc (09022015). Collection method: clinical testing. Allele origin: germline.
Comment: This sequence change replaces glycine, which is neutral and non-polar, with alanine, which is neutral and non-polar, at codon 2288 of the FN1 protein (p.Gly2288Ala). This variant is present in population databases (rs757231651, gnomAD 0.02%). This variant has not been reported in the literature in individuals affected with FN1-related conditions. ClinVar contains an entry for this variant (Variation ID: 2799015). An algorithm developed to predict the effect of missense changes on protein structure and function (PolyPhen-2) suggests that this variant is likely to be disruptive. In summary, the available evidence is currently insufficient to determine the role of this variant in disease. Therefore, it has been classified as a Variant of Uncertain Significance.